The following is an entry in ClinVar:

NM_017636.4(TRPM4):c.1264-3C>T

Gene: TRPM4 (transient receptor potential cation channel subfamily M member 4; plus strand). Cytogenetic location: 19q13.33.
Variant type: single nucleotide variant.
Coding change: c.1264-3C>T on transcript NM_017636.4 (MANE Select); 3 bases into the intron before coding-DNA position 1264, C replaced by T.
Molecular consequence: intron variant.
Genome position (GRCh38, 1-based): chr19:49,182,575, C>T. VCF-style: chr19-49182575-C-T. GRCh37 (hg19) VCF-style: chr19-49685832-C-T.
Other names: c.1264-3C>T (NM_001195227.2); c.-290-3C>T (NM_001321282.2); c.919-3C>T (NM_001321281.2); c.742-3C>T (NM_001321283.2); c.202-3C>T (NM_001321285.2).
Identifiers: ClinVar variation 2868312 (VCV002868312.3), dbSNP rs2514114610, ClinGen allele CA2576848394.

ClinVar aggregate classification (germline): Uncertain significance (1 of 4 stars; one submission).

Conditions:
Progressive familial heart block type IB (PFHB1B). Identifiers: Orphanet 871, MedGen C1970298, MONDO:0011474, OMIM 604559.

Submission:

Labcorp Genetics (formerly Invitae), Labcorp
Classification: Uncertain significance for Progressive familial heart block type IB. Last evaluated: 2023-07-27. Review status: criteria provided, single submitter. Criteria: Invitae Variant Classification Sherloc (09022015). Collection method: clinical testing. Allele origin: germline.
Comment: In summary, the available evidence is currently insufficient to determine the role of this variant in disease. Therefore, it has been classified as a Variant of Uncertain Significance. Variants that disrupt the consensus splice site are a relatively common cause of aberrant splicing (PMID: 17576681, 9536098). Algorithms developed to predict the effect of sequence changes on RNA splicing suggest that this variant is not likely to affect RNA splicing. This variant has not been reported in the literature in individuals affected with TRPM4-related conditions. This variant is not present in population databases (gnomAD no frequency). This sequence change falls in intron 10 of the TRPM4 gene. It does not directly change the encoded amino acid sequence of the TRPM4 protein. It affects a nucleotide within the consensus splice site.

Literature cited by the submitters: PubMed 17576681; PubMed 9536098.